The following is an entry in ClinVar:

ClinVar aggregate classification (germline): Uncertain significance (1 of 4 stars; one submission).

Conditions:
Left ventricular noncompaction 8 (LVNC8). Identifiers: Orphanet 154, Orphanet 54260, MedGen C3809288, MONDO:0014152, OMIM 615373.

gnomAD v4.1: 1 of 1,553,300 alleles (0.000064%); highest among the groups gnomAD compares: Non-Finnish European, 0.000087%; no homozygotes.

Submission:

Labcorp Genetics (formerly Invitae), Labcorp
Classification: Uncertain significance for Left ventricular noncompaction 8. Last evaluated: 2025-06-10. Review status: criteria provided, single submitter. Criteria: Invitae Variant Classification Sherloc (09022015). Collection method: clinical testing. Allele origin: germline.
Comment: This sequence change replaces alanine, which is neutral and non-polar, with valine, which is neutral and non-polar, at codon 1162 of the PRDM16 protein (p.Ala1162Val). This variant is not present in population databases (gnomAD no frequency). This variant has not been reported in the literature in individuals affected with PRDM16-related conditions. An algorithm developed to predict the effect of missense changes on protein structure and function (PolyPhen-2) suggests that this variant is likely to be tolerated. In summary, the available evidence is currently insufficient to determine the role of this variant in disease. Therefore, it has been classified as a Variant of Uncertain Significance.

NM_022114.4(PRDM16):c.3485C>T (p.Ala1162Val)

Gene: PRDM16 (PR/SET domain 16; plus strand). Cytogenetic location: 1p36.32.
Variant type: single nucleotide variant.
Coding change: c.3485C>T on transcript NM_022114.4 (MANE Select); coding-DNA position 3485, C replaced by T.
Protein change: p.Ala1162Val; replaces alanine 1162 with valine.
Molecular consequence: missense variant.
Genome position (GRCh38, 1-based): chr1:3,431,072, C>T. VCF-style: chr1-3431072-C-T. GRCh37 (hg19) VCF-style: chr1-3347636-C-T.
Other names: c.3485C>T, p.Ala1162Val (NM_199454.3); short protein forms A1162V.
Identifiers: ClinVar variation 4721129 (VCV004721129.1).
Genomic context (GRCh38, chr1:3,431,072, plus strand): 5'-CCGTGTCCCCCGCACCCGAGCCCCAGGCCGCCTACGAGGATGAGGAGGATGAGGAGCCAG[C>T]CGCCTCCCTGGCCGTGGGCTTTGACCACACCCGAAGGTGGGGGCAGCCGTGTGCTCCAGG-3'
Protein context (NP_071397.3, residues 1152-1172): AYEDEEDEEP[Ala1162Val]ASLAVGFDHT